The following is an entry in ClinVar:

ClinVar aggregate classification (germline): Uncertain significance (1 of 4 stars; one submission).

Submission:

Labcorp Genetics (formerly Invitae), Labcorp
Classification: Uncertain significance. Last evaluated: 2019-11-23. Review status: criteria provided, single submitter. Criteria: Invitae Variant Classification Sherloc (09022015). Collection method: clinical testing. Allele origin: germline.
Comment: In summary, the available evidence is currently insufficient to determine the role of this variant in disease. Therefore, it has been classified as a Variant of Uncertain Significance. Algorithms developed to predict the effect of missense changes on protein structure and function output the following: SIFT: "Tolerated"; PolyPhen-2: "Benign"; Align-GVGD: "Class C0". The isoleucine amino acid residue is found in multiple mammalian species, suggesting that this missense change does not adversely affect protein function. These predictions have not been confirmed by published functional studies and their clinical significance is uncertain. This variant has not been reported in the literature in individuals with VCAN-related conditions. This variant is not present in population databases (ExAC no frequency). This sequence change replaces threonine with isoleucine at codon 605 of the VCAN protein (p.Thr605Ile). The threonine residue is weakly conserved and there is a moderate physicochemical difference between threonine and isoleucine.

NM_004385.5(VCAN):c.1814C>T (p.Thr605Ile)

Gene: VCAN (versican; plus strand). Cytogenetic location: 5q14.3.
Variant type: single nucleotide variant.
Coding change: c.1814C>T on transcript NM_004385.5 (MANE Select); coding-DNA position 1814, C replaced by T.
Protein change: p.Thr605Ile; replaces threonine 605 with isoleucine.
Molecular consequence: missense variant. On other transcripts: intron variant (2).
Genome position (GRCh38, 1-based): chr5:83,520,120, C>T. VCF-style: chr5-83520120-C-T. GRCh37 (hg19) VCF-style: chr5-82815939-C-T.
Other names: c.1814C>T, p.Thr605Ile (NM_001164098.2); c.1042+7724C>T (NM_001164097.2, NM_001126336.3); short protein forms T605I.
Identifiers: ClinVar variation 855473 (VCV000855473.9), dbSNP rs1746022645, ClinGen allele CA360301924.
Genomic context (GRCh38, chr5:83,520,120, plus strand): 5'-CTTCAGAAGACACCATCCACACTCATTTAGAAGACTTGGAGTCAGTCTCAGCATCCACAA[C>T]TGTTTCCCCTTTAATTATGCCTGATAATAATGGATCATCCATGGATGACTGGGAAGAGAG-3'
Protein context (NP_004376.2, residues 595-615): EDLESVSAST[Thr605Ile]VSPLIMPDNN